The following is an entry in ClinVar:

NM_000051.4(ATM):c.4570C>T (p.Leu1524Phe)

Gene: ATM (ATM serine/threonine kinase; plus strand). Cytogenetic location: 11q22.3.
Variant type: single nucleotide variant.
Coding change: c.4570C>T on transcript NM_000051.4 (MANE Select); coding-DNA position 4570, C replaced by T.
Protein change: p.Leu1524Phe; replaces leucine 1524 with phenylalanine.
Molecular consequence: missense variant.
Genome position (GRCh38, 1-based): chr11:108,292,752, C>T. VCF-style: chr11-108292752-C-T. GRCh37 (hg19) VCF-style: chr11-108163479-C-T.
Other names: c.4570C>T, p.Leu1524Phe (NM_001351834.2); short protein forms L1524F.
Identifiers: ClinVar variation 481108 (VCV000481108.21), dbSNP rs780603110, ClinGen allele CA6265495.
Genomic context (GRCh38, chr11:108,292,752, plus strand): 5'-ACAGCCGTGACTTACTGTAAGGATGCTCTAGAAAACCATCTTCATGTTATTGTTGGTACA[C>T]TTATACCCCTTGTGTATGAGCAGGTGGAGGTTCAGAAACAGGTAATTTTCTGACTCATCT-3'
Protein context (NP_000042.3, residues 1514-1534): ENHLHVIVGT[Leu1524Phe]IPLVYEQVEV

ClinVar aggregate classification (germline): Uncertain significance. Review status: criteria provided, multiple submitters, no conflicts (2 of 4 stars). 4 submissions from 4 submitters: Uncertain significance (3). 1 of the submissions does not count toward it. Last evaluated 2026-01-06.

Conditions:
Hereditary cancer-predisposing syndrome. Also called: Hereditary neoplastic syndrome; Neoplastic Syndromes, Hereditary; Tumor predisposition; Hereditary Cancer Syndrome. Identifiers: Orphanet 140162, MedGen C0027672, MeSH D009386, MONDO:0015356.
Ataxia-telangiectasia syndrome (AT). Also called: LOUIS-BAR SYNDROME; Cerebello-oculocutaneous telangiectasia; Immunodeficiency with ataxia telangiectasia; AT, COMPLEMENTATION GROUP C; Ataxia-telangiectasia, complementation group D; ATAXIA-TELANGIECTASIA, COMPLEMENTATION GROUP A. Identifiers: Orphanet 100, MedGen C0004135, MONDO:0008840, OMIM 208900.

gnomAD v4.1: 7 of 1,614,036 alleles (0.00043%); highest among the groups gnomAD compares: Non-Finnish European, 0.00059%; no homozygotes.

Submissions (4):

Labcorp Genetics (formerly Invitae), Labcorp
Classification: Uncertain significance for Ataxia-telangiectasia syndrome. Last evaluated: 2026-01-06. Review status: criteria provided, single submitter. Criteria: Invitae Variant Classification Sherloc (09022015). Collection method: clinical testing. Allele origin: germline.
Comment: This sequence change replaces leucine, which is neutral and non-polar, with phenylalanine, which is neutral and non-polar, at codon 1524 of the ATM protein (p.Leu1524Phe). This variant is present in population databases (rs780603110, gnomAD 0.0009%). This variant has not been reported in the literature in individuals affected with ATM-related conditions. ClinVar contains an entry for this variant (Variation ID: 481108). Invitae Evidence Modeling of protein sequence and biophysical properties (such as structural, functional, and spatial information, amino acid conservation, physicochemical variation, residue mobility, and thermodynamic stability) has been performed for this missense variant. However, the output from this modeling did not meet the statistical confidence thresholds required to predict the impact of this variant on ATM protein function. In summary, the available evidence is currently insufficient to determine the role of this variant in disease. Therefore, it has been classified as a Variant of Uncertain Significance.

Ambry Genetics
Classification: Uncertain significance for Hereditary cancer-predisposing syndrome. Last evaluated: 2025-04-02. Review status: criteria provided, single submitter. Criteria: Ambry Variant Classification Scheme 2023. Collection method: clinical testing. Allele origin: germline.
Comment: The p.L1524F variant (also known as c.4570C>T), located in coding exon 29 of the ATM gene, results from a C to T substitution at nucleotide position 4570. The leucine at codon 1524 is replaced by phenylalanine, an amino acid with highly similar properties. In a study of whole-exome sequencing in patients with features of Cowden syndrome (CS) or Bannayan-Riley-Ruvalcaba syndrome (BRRS) and negative PTEN testing, this alteration was identified in 0/87 patients with CS or BRRS and 1/3476 patients from The Cancer Genome Atlas (TCGA) (Yehia L et al. PLoS Genet, 2018 04;14:e1007352). This amino acid position is highly conserved in available vertebrate species. In addition, the in silico prediction for this alteration is inconclusive. Based on the available evidence, the clinical significance of this variant remains unclear.

Color Diagnostics, LLC DBA Color Health
Classification: Uncertain significance for Hereditary cancer-predisposing syndrome. Last evaluated: 2019-05-27. Review status: criteria provided, single submitter. Criteria: ACMG Guidelines, 2015. Collection method: clinical testing. Allele origin: germline.

Natera, Inc.
Classification: Uncertain significance for Ataxia-telangiectasia. Last evaluated: 2021-01-11. Review status: no assertion criteria provided. Collection method: clinical testing. Allele origin: germline. Not counted in ClinVar's aggregate classification.

Literature cited by the submitters: PubMed 29684080 (cited by Ambry Genetics).